The following is an entry in ClinVar:

NM_001085452.4(SPATA31A1):c.1291G>A (p.Ala431Thr)

Gene: SPATA31A1 (SPATA31 subfamily A member 1; plus strand). Cytogenetic location: 9p12.
Variant type: single nucleotide variant.
Coding change: c.1291G>A on transcript NM_001085452.4 (MANE Select); coding-DNA position 1291, G replaced by A.
Protein change: p.Ala431Thr; replaces alanine 431 with threonine.
Molecular consequence: missense variant.
Genome position (GRCh38, 1-based): chr9:39,359,056, G>A. VCF-style: chr9-39359056-G-A. GRCh37 (hg19) VCF-style: chr9-39359053-G-A.
Other names: NM_001040065.1:c.1291G>A; short protein forms A431T.
Identifiers: ClinVar variation 3168320 (VCV003168320.2), dbSNP rs1414135304, ClinGen allele CA373742256.

ClinVar aggregate classification (germline): Uncertain significance (1 of 4 stars; one submission).

Allele frequency attached by ClinVar (database versions not stated): gnomAD exomes 0.00005; gnomAD 0.00003.

Submission:

Ambry Genetics
Classification: Uncertain significance. Last evaluated: 2026-03-19. Review status: criteria provided, single submitter. Criteria: Ambry Variant Classification Scheme 2023. Collection method: clinical testing. Allele origin: germline.
Comment: The c.1291G>A (p.A431T) alteration is located in exon 4 (coding exon 4) of the SPATA31A2 gene. This alteration results from a G to A substitution at nucleotide position 1291, causing the alanine (A) at amino acid position 431 to be replaced by a threonine (T). Based on data from gnomAD, the A allele has an overall frequency of 0.008% (5/62572) total alleles studied. The highest observed frequency was 0.019% (5/25776) of European (non-Finnish) alleles. Based on insufficient or conflicting evidence, the clinical significance of this alteration remains unclear.